The following is an entry in ClinVar:

NM_177438.3(DICER1):c.3769G>T (p.Val1257Leu)

Gene: DICER1 (dicer 1, ribonuclease III; minus strand). Cytogenetic location: 14q32.13.
Variant type: single nucleotide variant.
Coding change: c.3769G>T on transcript NM_177438.3 (MANE Select); coding-DNA position 3769, G replaced by T.
Protein change: p.Val1257Leu; replaces valine 1257 with leucine.
Molecular consequence: missense variant.
Genome position (GRCh38, 1-based): chr14:95,103,627, C>A on the plus strand (G>T on the coding strand, the complement: DICER1 is on the minus strand). VCF-style: chr14-95103627-C-A. GRCh37 (hg19) VCF-style: chr14-95569964-C-A.
Other names: c.3769G>T, p.Val1257Leu (NM_001195573.1, NM_001271282.3, NM_001291628.2 and 1 more transcripts); short protein forms V1257L.
Identifiers: ClinVar variation 862359 (VCV000862359.12), dbSNP rs1392282413, ClinGen allele CA390873568.

ClinVar aggregate classification (germline): Uncertain significance. Review status: criteria provided, multiple submitters, no conflicts (2 of 4 stars). 2 submissions from 2 submitters: Uncertain significance (2). Last evaluated 2025-10-22.

Conditions:
Hereditary cancer-predisposing syndrome. Also called: Tumor predisposition; Hereditary Cancer Syndrome; Neoplastic Syndromes, Hereditary; Hereditary neoplastic syndrome. Identifiers: Orphanet 140162, MedGen C0027672, MeSH D009386, MONDO:0015356.
DICER1-related tumor predisposition. Also called: DICER1-related pleuropulmonary blastoma cancer predisposition syndrome; DICER1 syndrome. Identifiers: Orphanet 284343, MedGen C3839822, MONDO:0100216.

Allele frequency attached by ClinVar (database versions not stated): gnomAD 0.00001.
gnomAD v4.1: 1 of 1,614,080 alleles (0.000062%); highest among the groups gnomAD compares: African/African-American, 0.0013%; no homozygotes.

Submissions (2):

Ambry Genetics
Classification: Uncertain significance for Hereditary cancer-predisposing syndrome. Last evaluated: 2025-10-22. Review status: criteria provided, single submitter. Criteria: Ambry Variant Classification Scheme 2023. Collection method: clinical testing. Allele origin: germline.
Comment: The p.V1257L variant (also known as c.3769G>T), located in coding exon 20 of the DICER1 gene, results from a G to T substitution at nucleotide position 3769. The valine at codon 1257 is replaced by leucine, an amino acid with highly similar properties. This amino acid position is conserved. In addition, this alteration is predicted to be tolerated by in silico analysis. Based on the available evidence, the clinical significance of this variant remains unclear.

Labcorp Genetics (formerly Invitae), Labcorp
Classification: Uncertain significance for DICER1-related tumor predisposition. Last evaluated: 2024-08-22. Review status: criteria provided, single submitter. Criteria: Invitae Variant Classification Sherloc (09022015). Collection method: clinical testing. Allele origin: germline.
Comment: This sequence change replaces valine, which is neutral and non-polar, with leucine, which is neutral and non-polar, at codon 1257 of the DICER1 protein (p.Val1257Leu). The frequency data for this variant in the population databases is considered unreliable, as metrics indicate poor data quality at this position in the gnomAD database. This variant has not been reported in the literature in individuals affected with DICER1-related conditions. ClinVar contains an entry for this variant (Variation ID: 862359). Invitae Evidence Modeling of protein sequence and biophysical properties (such as structural, functional, and spatial information, amino acid conservation, physicochemical variation, residue mobility, and thermodynamic stability) indicates that this missense variant is not expected to disrupt DICER1 protein function with a negative predictive value of 80%. In summary, the available evidence is currently insufficient to determine the role of this variant in disease. Therefore, it has been classified as a Variant of Uncertain Significance.